The following is an entry in ClinVar:

ClinVar aggregate classification (germline): Pathogenic/Likely pathogenic. Review status: criteria provided, multiple submitters, no conflicts (2 of 4 stars). 6 submissions from 6 submitters: Pathogenic (3); Likely pathogenic (2). 1 of the submissions does not count toward it. Last evaluated 2025-10-01.

Conditions:
alpha Thalassemia. Also called: Alpha thalassemia spectrum. Identifiers: Orphanet 846, MedGen C0002312, MONDO:0011399, OMIM 604131.
Erythrocytosis, familial, 7. Also called: ERYTHROCYTOSIS, ALPHA-GLOBIN TYPE; POLYCYTHEMIA, ALPHA-GLOBIN TYPE; ERYTHROCYTOSIS 7. Identifiers: MedGen C4693823, MONDO:0054802, OMIM 617981.

Submissions (6):

Natera, Inc.
Classification: Pathogenic for Alpha thalassemia. Last evaluated: 2025-10-01. Review status: criteria provided, single submitter. Criteria: Natera Variant Classification Schema (03/2026). Collection method: clinical testing. Allele origin: germline.
Comment: The c.95+2_95+6delTGAGG variant in HBA1 is a canonical splice donor site variant predicted to affect pre-mRNA splicing, which may result in an abnormal transcript and altered protein product. This variant is expected to result in nonsense mediated decay, truncation, or a dysfunctional protein product. This variant is rare in the general population with a frequency below the threshold expected for the associated phenotype(s). Another variant at this same site results in an alteration predicted to cause a similar molecular effect has been observed in individual(s) with the associated phenotype. Given the available evidence, this variant is classified as Pathogenic.

3billion
Classification: Pathogenic for alpha Thalassemia. Last evaluated: 2025-05-07. Review status: criteria provided, single submitter. Criteria: ACMG Guidelines, 2015. Collection method: clinical testing. Allele origin: germline. Affected: yes.
Comment: The variant is observed at an extremely low frequency in the gnomAD v4.1.0 dataset (total allele frequency: 0.003%). Predicted Consequence/Location: Canonical splice site: predicted to alter splicing and result in a loss or disruption of normal protein function. Multiple pathogenic loss-of-function variants are reported downstream of the variant. In silico tools predict the variant to alter splicing and produce an abnormal transcript [SpliceAI: 1.00 (spliceogenicity >=0.2, non-spliceogenicity <0.1)]. The variant has been reported at least twice as pathogenic with clinical assertions and evidence for the classification (ClinVar ID: VCV001048833). Therefore, this variant is classified as Pathogenic according to the recommendation of ACMG/AMP guideline.

Genomic Medicine Center of Excellence, King Faisal Specialist Hospital and Research Centre
Classification: Pathogenic for Erythrocytosis, familial, 7. Last evaluated: 2024-12-19. Review status: criteria provided, single submitter. Criteria: ACMG Guidelines, 2015. Collection method: clinical testing. Allele origin: germline.

Women's Health and Genetics/Laboratory Corporation of America, LabCorp
Classification: Likely pathogenic for alpha Thalassemia. Last evaluated: 2022-02-23. Review status: criteria provided, single submitter. Criteria: LabCorp Variant Classification Summary - May 2015. Collection method: clinical testing. Allele origin: germline.
Comment: Variant summary: HBA1 c.95+2_95+6delTGAGG is located in a canonical splice-site and is predicted to affect mRNA splicing resulting in a significantly altered protein due to either exon skipping, shortening, or inclusion of intronic material. Several computational tools predict a significant impact on normal splicing: Four predict the variant abolishes a canonical 5' prime splicing donor site. However, these predictions have yet to be confirmed by functional studies. The variant allele was found at a frequency of 6.6e-06 in 151902 control chromosomes (gnomAD). To our knowledge, no occurrence of c.95+2_95+6delTGAGG in individuals affected with Alpha Thalassemia and no experimental evidence demonstrating its impact on protein function have been reported. One clinical diagnostic laboratory has submitted clinical-significance assessments for this variant to ClinVar after 2014 and classified the variant as likely pathogenic. Based on the evidence outlined above, the variant was classified as likely pathogenic.

CENTOGENE GmbH and LLC - Guiding Precision Medicine
Classification: Likely pathogenic for alpha Thalassemia. Last evaluated: 2019-04-01. Review status: criteria provided, single submitter. Criteria: ACMG Guidelines, 2015. Collection method: clinical testing. Allele origin: germline. Affected: yes.

Department of Pathology and Laboratory Medicine, Sinai Health System
Classification: Likely pathogenic. Review status: no assertion criteria provided. Collection method: clinical testing. Allele origin: unknown. Affected: yes. Study: The Canadian Open Genetics Repository (COGR). Not counted in ClinVar's aggregate classification.
Comment: The HBA1 c.95+2_95+6del variant was not identified in the literature nor was it identified in ClinVar, Cosmic or LOVD 3.0. The variant was identified in dbSNP (ID: rs1181505507) and in control databases in 2 of 177984 chromosomes at a frequency of 0.000011 (Genome Aggregation Database Feb 27, 2017). The variant was observed in the following populations: Other in 1 of 5152 chromosomes (freq: 0.000194) and Latino in 1 of 25566 chromosomes (freq: 0.000039), while the variant was not observed in the African, Ashkenazi Jewish, East Asian, European (Finnish), European (non-Finnish), and South Asian populations. The c.95+2_95+6del variant is predicted to cause abnormal splicing because the nucleotide substitution occurs in the invariant region of the splice consensus sequence. In addition, 4 of 4 in silico or computational prediction software programs (SpliceSiteFinder, MaxEntScan, NNSPLICE, GeneSplicer) predict a greater than 10% difference in splicing and the loss of the canonical 5' splice site. In summary, based on the above information the clinical significance of this variant cannot be determined with certainty at this time although we would lean towards a more pathogenic role for this variant. This variant is classified as likely pathogenic.

Literature cited by the submitters: PubMed 26878087 (cited by Women's Health and Genetics/Laboratory Corporation of America, LabCorp).

NM_000558.5(HBA1):c.95+2_95+6del

Genes: HBA1 (hemoglobin subunit alpha 1; plus strand), LOC106804613 (hemoglobin subunit alpha 1 recombination region; plus strand). Cytogenetic location: 16p13.3.
Variant type: Deletion.
Coding change: c.95+2_95+6del on transcript NM_000558.5 (MANE Select); the canonical splice donor site of the intron after coding-DNA position 95 through 6 bases into the intron after coding-DNA position 95, 5 bases deleted (TGAGG; older notation c.95+2_95+6delTGAGG).
Molecular consequence: splice donor variant.
Genome position (GRCh38, 1-based): chr16:176,813-176,817, TGAGG deleted; deleting any 5 consecutive bases within chr16:176,809-176,817 gives the same sequence; the c. name uses the placement nearest the transcript's 3' end. VCF-style (leftmost placement, unchanged base first): chr16-176808-AGAGGT-A. GRCh37 (hg19) VCF-style: chr16-226807-AGAGGT-A.
Identifiers: ClinVar variation 1048833 (VCV001048833.6), dbSNP rs1181505507, ClinGen allele CA492787108.